The following is an entry in ClinVar:

ClinVar aggregate classification (germline): Likely benign (1 of 4 stars; one submission).

Allele frequency attached by ClinVar (database versions not stated): ExAC 0.00001.

Submission:

CeGaT Center for Human Genetics Tuebingen
Classification: Likely benign. Last evaluated: 2024-05-01. Review status: criteria provided, single submitter. Criteria: CeGaT Center For Human Genetics Tuebingen Variant Classification Criteria Version 2. Collection method: clinical testing. Allele origin: germline. Affected: yes. Observed: 1 variant allele.
Comment: KDM5B: BP4, BP7

NM_006618.5(KDM5B):c.3141A>T (p.Arg1047=)

Gene: KDM5B (lysine demethylase 5B; minus strand). Cytogenetic location: 1q32.1.
Variant type: single nucleotide variant.
Coding change: c.3141A>T on transcript NM_006618.5 (MANE Select); coding-DNA position 3141, A replaced by T.
Protein change: p.Arg1047=; no amino-acid change (arginine 1047 retained).
Molecular consequence: synonymous variant.
Genome position (GRCh38, 1-based): chr1:202,736,336, T>A on the plus strand (A>T on the coding strand, the complement: KDM5B is on the minus strand). VCF-style: chr1-202736336-T-A. GRCh37 (hg19) VCF-style: chr1-202705464-T-A.
Other names: c.3249A>T, p.Arg1083= (NM_001314042.2); c.3006A>T, p.Arg1002= (NM_001347591.2); c.3126A>T, p.Arg1042= (NM_001399817.1).
Identifiers: ClinVar variation 3239464 (VCV003239464.19), dbSNP rs762165663.